The following is an entry in ClinVar:

ClinVar aggregate classification (germline): Likely benign. Review status: criteria provided, single submitter (1 of 4 stars). 2 submissions from 2 submitters: Likely benign (1). 1 of the submissions does not count toward it. Last evaluated 2024-09-05.

Conditions:
CPE-related disorder. Also called: CPE-related condition.

Allele frequency attached by ClinVar (database versions not stated): gnomAD 0.00048; ESP Exome Variant Server 0.00062; TOPMed 0.00069; ExAC 0.00024; 1000 Genomes Project 0.00040; 1000 Genomes Project 30x 0.00047.
gnomAD v4.1: 197 of 1,613,802 alleles (0.012%); highest among the groups gnomAD compares: African/African-American, 0.21%; no homozygotes.

Submissions (2):

Blueprint Genetics
Classification: Likely benign. Last evaluated: 2024-09-05. Review status: criteria provided, single submitter. Criteria: ACMG Guidelines, 2015. Collection method: clinical testing. Allele origin: germline.

PreventionGenetics, part of Exact Sciences
Classification: Likely benign for CPE-related condition. Last evaluated: 2022-02-03. Review status: no assertion criteria provided. Collection method: clinical testing. Allele origin: germline. Not counted in ClinVar's aggregate classification.
Comment: This variant is classified as likely benign based on ACMG/AMP sequence variant interpretation guidelines (Richards et al. 2015 PMID: 25741868, with internal and published modifications).

NM_001873.4(CPE):c.598G>A (p.Val200Met)

Gene: CPE (carboxypeptidase E; plus strand). Cytogenetic location: 4q32.3.
Variant type: single nucleotide variant.
Coding change: c.598G>A on transcript NM_001873.4 (MANE Select); coding-DNA position 598, G replaced by A.
Protein change: p.Val200Met; replaces valine 200 with methionine.
Molecular consequence: missense variant.
Genome position (GRCh38, 1-based): chr4:165,467,781, G>A. VCF-style: chr4-165467781-G-A. GRCh37 (hg19) VCF-style: chr4-166388933-G-A.
Other names: short protein forms V200M.
Identifiers: ClinVar variation 3060142 (VCV003060142.3), dbSNP rs147923491, ClinGen allele CA3130214.